The following is an entry in ClinVar:

ClinVar aggregate classification (germline): Conflicting classifications of pathogenicity. Review status: criteria provided, conflicting classifications (1 of 4 stars). 4 submissions from 4 submitters: Uncertain significance (2); Likely benign (1). 1 of the submissions does not count toward it. Last evaluated 2026-01-27.

Conditions:
Inborn genetic diseases. Identifiers: MedGen C0950123, MeSH D030342.
Congenital microvillous atrophy (DIAR2). Also called: Diarrhea 2 with microvillus atrophy, with or without cholestasis; Microvillus inclusion disease; CONGENITAL FAMILIAL PROTRACTED DIARRHEA WITH ENTEROCYTE BRUSH-BORDER ABNORMALITIES; DAVIDSON DISEASE; MICROVILLUS ATROPHY, CONGENITAL. Identifiers: Orphanet 2290, MedGen C0341306, MONDO:0009635, OMIM 251850.
MYO5B-related disorder. Also called: MYO5B-related condition.

Allele frequency attached by ClinVar (database versions not stated): ESP Exome Variant Server 0.00058; gnomAD 0.00076 and 0.00081; 1000 Genomes Project 30x 0.00078; 1000 Genomes Project 0.00080; TOPMed 0.00091.
gnomAD v4.1: 350 of 1,614,164 alleles (0.022%); highest among the groups gnomAD compares: African/African-American, 0.25%; no homozygotes.

Submissions (4):

Labcorp Genetics (formerly Invitae), Labcorp
Classification: Likely benign. Last evaluated: 2026-01-27. Review status: criteria provided, single submitter. Criteria: Invitae Variant Classification Sherloc (09022015). Collection method: clinical testing. Allele origin: germline.

Ambry Genetics
Classification: Uncertain significance for Inborn genetic diseases. Last evaluated: 2024-10-19. Review status: criteria provided, single submitter. Criteria: Ambry Variant Classification Scheme 2023. Collection method: clinical testing. Allele origin: germline.

Illumina Laboratory Services, Illumina
Classification: Uncertain significance for Congenital microvillous atrophy. Last evaluated: 2017-04-28. Review status: criteria provided, single submitter. Criteria: ICSL Variant Classification Criteria 13 December 2019. Collection method: clinical testing. Allele origin: germline.

PreventionGenetics, part of Exact Sciences
Classification: Likely benign for MYO5B-related condition. Last evaluated: 2022-02-01. Review status: no assertion criteria provided. Collection method: clinical testing. Allele origin: germline. Not counted in ClinVar's aggregate classification.
Comment: This variant is classified as likely benign based on ACMG/AMP sequence variant interpretation guidelines (Richards et al. 2015 PMID: 25741868, with internal and published modifications).

NM_001080467.3(MYO5B):c.1492G>A (p.Asp498Asn)

Gene: MYO5B (myosin VB; minus strand). Cytogenetic location: 18q21.1.
Variant type: single nucleotide variant.
Coding change: c.1492G>A on transcript NM_001080467.3 (MANE Select); coding-DNA position 1492, G replaced by A.
Protein change: p.Asp498Asn; replaces aspartic acid 498 with asparagine.
Molecular consequence: missense variant.
Genome position (GRCh38, 1-based): chr18:49,962,319, C>T on the plus strand (G>A on the coding strand, the complement: MYO5B is on the minus strand). VCF-style: chr18-49962319-C-T. GRCh37 (hg19) VCF-style: chr18-47488689-C-T.
Other names: short protein forms D498N.
Identifiers: ClinVar variation 727857 (VCV000727857.18), dbSNP rs200175136, ClinGen allele CA8961510.
Genomic context (GRCh38, chr18:49,962,319, plus strand): 5'-GTTTTACCTTACATTCTTCATCCAACAGGTCCAAGATACCCAGCTTGGCTTCAATGAGGT[C>T]GATACAAGGTTGGTTATCATAAAAATCAATCAGGGTCCAAGGGATCTGTTCCTTCATGTA-3'
Protein context (NP_001073936.1, residues 488-508): IDFYDNQPCI[Asp498Asn]LIEAKLGILD